The following is an entry in ClinVar:

NM_001384900.1(SEMA3D):c.1293A>T (p.Val431=)

Gene: SEMA3D (semaphorin 3D; minus strand). Cytogenetic location: 7q21.11.
Variant type: single nucleotide variant.
Coding change: c.1293A>T on transcript NM_001384900.1 (MANE Select); coding-DNA position 1293, A replaced by T.
Protein change: p.Val431=; no amino-acid change (valine 431 retained).
Molecular consequence: synonymous variant.
Genome position (GRCh38, 1-based): chr7:85,022,512, T>A on the plus strand (A>T on the coding strand, the complement: SEMA3D is on the minus strand). VCF-style: chr7-85022512-T-A. GRCh37 (hg19) VCF-style: chr7-84651828-T-A.
Other names: c.1293A>T, p.Val431= (NM_001384901.1, NM_001384902.1, NM_001384903.1 and 1 more transcripts).
Identifiers: ClinVar variation 4994602 (VCV004994602.1).

ClinVar aggregate classification (germline): Likely benign (1 of 4 stars; one submission).

Conditions:
SEMA3D-related disorder. Also called: SEMA3D-related condition.

gnomAD v4.1: 2 of 1,612,360 alleles (0.00012%); highest among the groups gnomAD compares: Non-Finnish European, 0.00017%; no homozygotes.

Submission:

PreventionGenetics, part of Exact Sciences
Classification: Likely benign for SEMA3D-related condition. Last evaluated: 2026-03-03. Review status: criteria provided, single submitter. Criteria: ACMG Guidelines, 2015. Collection method: clinical testing. Allele origin: germline.
Comment: This variant is classified as likely benign based on ACMG/AMP sequence variant interpretation guidelines (Richards et al. 2015 PMID: 25741868, with internal and published modifications).